The following is an entry in ClinVar:

ClinVar aggregate classification (germline): Likely benign (1 of 4 stars; one submission).

Conditions:
Immunodeficiency due to CD25 deficiency. Also called: IMMUNODEFICIENCY 41 WITH LYMPHOPROLIFERATION AND AUTOIMMUNITY; CD25 DEFICIENCY; IL2RA DEFICIENCY. Identifiers: Orphanet 169100, MedGen C1853392, MONDO:0011664, OMIM 606367.

Allele frequency attached by ClinVar (database versions not stated): gnomAD 0.00028 and 0.00050; TOPMed 0.00052; 1000 Genomes Project 30x 0.00265; 1000 Genomes Project 0.00339.

Submission:

Illumina Laboratory Services, Illumina
Classification: Likely benign for Immunodeficiency due to CD25 deficiency. Last evaluated: 2018-01-13. Review status: criteria provided, single submitter. Criteria: ICSL Variant Classification Criteria 13 December 2019. Collection method: clinical testing. Allele origin: germline.
Comment: This variant was observed in the ICSL laboratory as part of a predisposition screen in an ostensibly healthy population. It had not been previously curated by ICSL or reported in the Human Gene Mutation Database (HGMD: prior to June 1st, 2018), and was therefore a candidate for classification through an automated scoring system. Utilizing variant allele frequency, disease prevalence and penetrance estimates, and inheritance mode, an automated score was calculated to assess if this variant is too frequent to cause the disease. Based on the score and internal cut-off values, a variant classified as likely benign is not then subjected to further curation. The score for this variant resulted in a classification of likely benign for this disease.

NM_000417.3(IL2RA):c.*1772A>C

Gene: IL2RA (interleukin 2 receptor subunit alpha; minus strand). Cytogenetic location: 10p15.1.
Variant type: single nucleotide variant.
Coding change: c.*1772A>C on transcript NM_000417.3 (MANE Select); 1772 bases downstream of the stop codon, A replaced by C.
Molecular consequence: 3 prime UTR variant.
Genome position (GRCh38, 1-based): chr10:6,011,100, T>G on the plus strand (A>C on the coding strand, the complement: IL2RA is on the minus strand). VCF-style: chr10-6011100-T-G. GRCh37 (hg19) VCF-style: chr10-6053063-T-G.
Other names: c.*1772A>C (NM_001308242.2, NM_001308243.2).
Identifiers: ClinVar variation 300216 (VCV000300216.5), dbSNP rs74973937, ClinGen allele CA10635542.